The following is an entry in ClinVar:

ClinVar aggregate classification (germline): Uncertain significance (1 of 4 stars; one submission).

Conditions:
Kleefstra syndrome 2 (KLEFS2). Identifiers: MedGen C4540395, MONDO:0054701, OMIM 617768.

gnomAD v4.1: 1 of 1,614,090 alleles (0.000062%); no homozygotes.

Submission:

Laboratorio de Genetica e Diagnostico Molecular, Hospital Israelita Albert Einstein
Classification: Uncertain significance for Kleefstra syndrome 2. Last evaluated: 2023-07-26. Review status: criteria provided, single submitter. Criteria: ACMG Guidelines, 2015. Collection method: clinical testing. Allele origin: germline. Affected: yes.
Comment: ACMG classification criteria: PM2 moderate, BP4 supporting

NM_170606.3(KMT2C):c.7369G>C (p.Val2457Leu)

Gene: KMT2C (lysine methyltransferase 2C; minus strand). Cytogenetic location: 7q36.1.
Variant type: single nucleotide variant.
Coding change: c.7369G>C on transcript NM_170606.3 (MANE Select); coding-DNA position 7369, G replaced by C.
Protein change: p.Val2457Leu; replaces valine 2457 with leucine.
Molecular consequence: missense variant.
Genome position (GRCh38, 1-based): chr7:152,179,907, C>G on the plus strand (G>C on the coding strand, the complement: KMT2C is on the minus strand). VCF-style: chr7-152179907-C-G. GRCh37 (hg19) VCF-style: chr7-151876992-C-G.
Other names: short protein forms V2457L.
Identifiers: ClinVar variation 4056565 (VCV004056565.1).